The following is an entry in ClinVar:

ClinVar aggregate classification (germline): Uncertain significance. Review status: criteria provided, multiple submitters, no conflicts (2 of 4 stars). 2 submissions from 2 submitters: Uncertain significance (2). Last evaluated 2024-10-16.

Conditions:
Inborn genetic diseases. Identifiers: MedGen C0950123, MeSH D030342.

Allele frequency attached by ClinVar (database versions not stated): gnomAD exomes below 0.00001; ExAC 0.00001; gnomAD 0.00001; TOPMed 0.00001.
gnomAD v4.1: 6 of 1,614,166 alleles (0.00037%); highest among the groups gnomAD compares: Non-Finnish European, 0.00051%; no homozygotes.

Submissions (2):

Labcorp Genetics (formerly Invitae), Labcorp
Classification: Uncertain significance. Last evaluated: 2024-10-16. Review status: criteria provided, single submitter. Criteria: Invitae Variant Classification Sherloc (09022015). Collection method: clinical testing. Allele origin: germline.
Comment: This sequence change replaces serine, which is neutral and polar, with asparagine, which is neutral and polar, at codon 1407 of the ERCC6 protein (p.Ser1407Asn). This variant is present in population databases (rs777367194, gnomAD 0.0009%). This variant has not been reported in the literature in individuals affected with ERCC6-related conditions. ClinVar contains an entry for this variant (Variation ID: 1914004). An algorithm developed to predict the effect of missense changes on protein structure and function outputs the following: PolyPhen-2: "Benign". The asparagine amino acid residue is found in multiple mammalian species, which suggests that this missense change does not adversely affect protein function. In summary, the available evidence is currently insufficient to determine the role of this variant in disease. Therefore, it has been classified as a Variant of Uncertain Significance.

Ambry Genetics
Classification: Uncertain significance for Inborn genetic diseases. Last evaluated: 2023-03-02. Review status: criteria provided, single submitter. Criteria: Ambry Variant Classification Scheme 2023. Collection method: clinical testing. Allele origin: germline.

NM_000124.4(ERCC6):c.4220G>A (p.Ser1407Asn)

Gene: ERCC6 (ERCC excision repair 6, chromatin remodeling factor; minus strand). Cytogenetic location: 10q11.23.
Variant type: single nucleotide variant.
Coding change: c.4220G>A on transcript NM_000124.4 (MANE Select); coding-DNA position 4220, G replaced by A.
Protein change: p.Ser1407Asn; replaces serine 1407 with asparagine.
Molecular consequence: missense variant.
Genome position (GRCh38, 1-based): chr10:49,459,077, C>T on the plus strand (G>A on the coding strand, the complement: ERCC6 is on the minus strand). VCF-style: chr10-49459077-C-T. GRCh37 (hg19) VCF-style: chr10-50667123-C-T.
Other names: c.4220G>A, p.Ser1407Asn (NM_001346440.2); short protein forms S1407N.
Identifiers: ClinVar variation 1914004 (VCV001914004.6), dbSNP rs777367194, ClinGen allele CA5495152.